The following is an entry in ClinVar:

NM_012452.3(TNFRSF13B):c.545T>G (p.Val182Gly)

Gene: TNFRSF13B (TNF receptor superfamily member 13B; minus strand). Cytogenetic location: 17p11.2.
Variant type: single nucleotide variant.
Coding change: c.545T>G on transcript NM_012452.3 (MANE Select); coding-DNA position 545, T replaced by G.
Protein change: p.Val182Gly; replaces valine 182 with glycine.
Molecular consequence: missense variant.
Genome position (GRCh38, 1-based): chr17:16,940,412, A>C on the plus strand (T>G on the coding strand, the complement: TNFRSF13B is on the minus strand). VCF-style: chr17-16940412-A-C. GRCh37 (hg19) VCF-style: chr17-16843726-A-C.
Other names: c.545T>G (NM_012452.2); short protein forms V182G.
Identifiers: ClinVar variation 1010132 (VCV001010132.6), dbSNP rs774782734, ClinGen allele CA8413955.

ClinVar aggregate classification (germline): Uncertain significance. Review status: criteria provided, multiple submitters, no conflicts (2 of 4 stars). 2 submissions from 2 submitters: Uncertain significance (2). Last evaluated 2025-01-16.

Conditions:
Immunodeficiency, common variable, 2 (CVID2). Also called: ANTIBODY DEFICIENCY DUE TO TACI DEFECT; HYPOGAMMAGLOBULINEMIA DUE TO TACI DEFICIENCY. Identifiers: Orphanet 1572, MedGen C3150354, MONDO:0009413, OMIM 240500.
Inborn genetic diseases. Identifiers: MedGen C0950123, MeSH D030342.

Allele frequency attached by ClinVar (database versions not stated): ExAC 0.00001; gnomAD exomes 0.00001; TOPMed 0.00002.
gnomAD v4.1: 4 of 1,614,000 alleles (0.00025%); highest among the groups gnomAD compares: Admixed American, 0.0067%; no homozygotes.

Submissions (2):

Ambry Genetics
Classification: Uncertain significance for Inborn genetic diseases. Last evaluated: 2025-01-16. Review status: criteria provided, single submitter. Criteria: Ambry Variant Classification Scheme 2023. Collection method: clinical testing. Allele origin: germline.

Labcorp Genetics (formerly Invitae), Labcorp
Classification: Uncertain significance for Immunodeficiency, common variable, 2. Last evaluated: 2020-02-27. Review status: criteria provided, single submitter. Criteria: Invitae Variant Classification Sherloc (09022015). Collection method: clinical testing. Allele origin: germline.
Comment: In summary, the available evidence is currently insufficient to determine the role of this variant in disease. Therefore, it has been classified as a Variant of Uncertain Significance. Algorithms developed to predict the effect of missense changes on protein structure and function are either unavailable or do not agree on the potential impact of this missense change (SIFT: "Deleterious"; PolyPhen-2: "Possibly Damaging"; Align-GVGD: "Class C0"). This variant has not been reported in the literature in individuals with TNFRSF13B-related conditions. This variant is present in population databases (rs774782734, ExAC 0.009%). This sequence change replaces valine with glycine at codon 182 of the TNFRSF13B protein (p.Val182Gly). The valine residue is moderately conserved and there is a moderate physicochemical difference between valine and glycine.